The following is an entry in ClinVar:

NR_172944.1(GGT2):n.1104C>A

Gene: GGT2 (gamma-glutamyltransferase 2; minus strand). Cytogenetic location: 22q11.21.
Variant type: single nucleotide variant.
Molecular consequence: non-coding transcript variant (on NR_172944.1).
Genome position: GRCh38 VCF-style: chr22-21221927-G-T. GRCh37 (hg19) VCF-style: chr22-21576216-G-T.
Identifiers: ClinVar variation 2652940 (VCV002652940.23), dbSNP rs375731176, ClinGen allele CA322112559.

ClinVar aggregate classification (germline): Likely benign (1 of 4 stars; one submission).

Submission:

CeGaT Center for Human Genetics Tuebingen
Classification: Likely benign. Last evaluated: 2023-08-01. Review status: criteria provided, single submitter. Criteria: CeGaT Center For Human Genetics Tuebingen Variant Classification Criteria Version 2. Collection method: clinical testing. Allele origin: germline. Affected: yes. Observed: 1 variant allele.
Comment: GGT2P: BP4, BP7